The following is an entry in ClinVar:

ClinVar aggregate classification (germline): Pathogenic (1 of 4 stars; one submission).

Conditions:
Neurofibromatosis, type 1 (NF1). Also called: VON RECKLINGHAUSEN DISEASE; Neurofibromatosis, type I; Peripheral type neurofibromatosis; NEUROFIBROMATOSIS, TYPE I, SOMATIC. Identifiers: Orphanet 636, MedGen C0027831, MONDO:0018975, OMIM 162200. Disease mechanism: loss of function.

Submission:

Labcorp Genetics (formerly Invitae), Labcorp
Classification: Pathogenic for Neurofibromatosis, type 1. Last evaluated: 2020-09-01. Review status: criteria provided, single submitter. Criteria: Invitae Variant Classification Sherloc (09022015). Collection method: clinical testing. Allele origin: unknown.
Comment: This variant results in the deletion of exon(s) 22-29 and part of exon 21 (c.2737_3974+716del) of the NF1 gene. It is expected to disrupt RNA splicing and likely results in an absent or disrupted protein product. For these reasons, this variant has been classified as Pathogenic. Loss-of-function variants in NF1 are known to be pathogenic (PMID: 10712197, 23913538). This variant disrupts the p.Gly922 amino acid residue in NF1. Other variant(s) that disrupt this residue have been determined to be pathogenic (PMID: 10607834, 28961165). This suggests that this residue is clinically significant, and that variants that disrupt this residue are likely to be disease-causing. This variant has not been reported in the literature in individuals with NF1-related conditions.

Literature cited by the submitters: PubMed 10712197; PubMed 23913538; PubMed 10607834; PubMed 28961165.

NC_000017.10:g.(?_29556370)_(29563755_?)del

Gene: NF1 (neurofibromin 1; plus strand). Cytogenetic location: 17q11.2.
Variant type: Deletion.
Identifiers: ClinVar variation 3242905 (VCV003242905.1).